The following is an entry in ClinVar:

NM_002900.3(RBP3):c.282C>A (p.Ser94Arg)

Gene: RBP3 (retinol binding protein 3; plus strand). Cytogenetic location: 10q11.22.
Variant type: single nucleotide variant.
Coding change: c.282C>A on transcript NM_002900.3 (MANE Select); coding-DNA position 282, C replaced by A.
Protein change: p.Ser94Arg; replaces serine 94 with arginine.
Molecular consequence: missense variant.
Genome position (GRCh38, 1-based): chr10:47,348,766, C>A. VCF-style: chr10-47348766-C-A. GRCh37 (hg19) VCF-style: chr10-48390596-G-T.
Other names: c.282C>A (NM_002900.2); short protein forms S94R.
Identifiers: ClinVar variation 1968771 (VCV001968771.7), dbSNP rs1339157521, ClinGen allele CA376664740.

ClinVar aggregate classification (germline): Uncertain significance. Review status: criteria provided, multiple submitters, no conflicts (2 of 4 stars). 3 submissions from 3 submitters: Uncertain significance (3). Last evaluated 2025-05-17.

Conditions:
Inborn genetic diseases. Identifiers: MedGen C0950123, MeSH D030342.

Allele frequency attached by ClinVar (database versions not stated): gnomAD 0.00002; TOPMed 0.00003.
gnomAD v4.1: 5 of 1,613,498 alleles (0.00031%); highest among the groups gnomAD compares: African/African-American, 0.004%; no homozygotes.

Submissions (3):

Ambry Genetics
Classification: Uncertain significance for Inborn genetic diseases. Last evaluated: 2025-05-17. Review status: criteria provided, single submitter. Criteria: Ambry Variant Classification Scheme 2023. Collection method: clinical testing. Allele origin: germline.

Labcorp Genetics (formerly Invitae), Labcorp
Classification: Uncertain significance. Last evaluated: 2022-07-12. Review status: criteria provided, single submitter. Criteria: Invitae Variant Classification Sherloc (09022015). Collection method: clinical testing. Allele origin: germline.
Comment: Algorithms developed to predict the effect of missense changes on protein structure and function (SIFT, PolyPhen-2, Align-GVGD) all suggest that this variant is likely to be disruptive. This variant has not been reported in the literature in individuals affected with RBP3-related conditions. This variant is present in population databases (no rsID available, gnomAD 0.01%). This sequence change replaces serine, which is neutral and polar, with arginine, which is basic and polar, at codon 94 of the RBP3 protein (p.Ser94Arg). In summary, the available evidence is currently insufficient to determine the role of this variant in disease. Therefore, it has been classified as a Variant of Uncertain Significance.

Blueprint Genetics
Classification: Uncertain significance. Last evaluated: 2018-10-24. Review status: criteria provided, single submitter. Criteria: ACMG Guidelines, 2015. Collection method: clinical testing. Allele origin: germline.